The following is an entry in ClinVar:

ClinVar aggregate classification (germline): Uncertain significance (1 of 4 stars; one submission).

Submission:

Ambry Genetics
Classification: Uncertain significance. Last evaluated: 2026-07-08. Review status: criteria provided, single submitter. Criteria: Ambry Variant Classification Scheme 2023. Collection method: clinical testing. Allele origin: germline.
Comment: The c.9655G>A (p.G3219R) alteration is located in exon 7 (coding exon 7) of the AHNAK2 gene. This alteration results from a G to A substitution at nucleotide position 9655, causing the glycine (G) at amino acid position 3219 to be replaced by an arginine (R). Based on data from gnomAD, the A allele has an overall frequency of <0.001% (1/228030) total alleles studied. The highest observed frequency was 0.001% (1/101408) of European (non-Finnish) alleles. Based on insufficient or conflicting evidence, the clinical significance of this alteration remains unclear.

NM_138420.4(AHNAK2):c.9655G>A (p.Gly3219Arg)

Gene: AHNAK2 (AHNAK nucleoprotein 2; minus strand). Cytogenetic location: 14q32.33.
Variant type: single nucleotide variant.
Coding change: c.9655G>A on transcript NM_138420.4 (MANE Select); coding-DNA position 9655, G replaced by A.
Protein change: p.Gly3219Arg; replaces glycine 3219 with arginine.
Molecular consequence: missense variant.
Genome position (GRCh38, 1-based): chr14:104,945,796, C>T on the plus strand (G>A on the coding strand, the complement: AHNAK2 is on the minus strand). VCF-style: chr14-104945796-C-T. GRCh37 (hg19) VCF-style: chr14-105412133-C-T.
Other names: c.9355G>A, p.Gly3119Arg (NM_001350929.2); short protein forms G3119R, G3219R.
Identifiers: ClinVar variation 5033481 (VCV005033481.1).